The following is an entry in ClinVar:

ClinVar aggregate classification (germline): Conflicting classifications of pathogenicity. Review status: criteria provided, conflicting classifications (1 of 4 stars). 14 submissions from 14 submitters: Uncertain significance (12); Likely benign (2). Last evaluated 2026-10-01.

Conditions:
RAD51C-related disorder. Also called: RAD51C-related condition; RAD51C-related disorders.
Fanconi anemia complementation group O. Also called: RAD51C-Related Fanconi Anemia. Identifiers: Orphanet 84, MedGen C3150653, MONDO:0013248, OMIM 613390.
Breast-ovarian cancer, familial, susceptibility to, 3. Also called: RAD51C-Related Breast/Ovarian Cancer. Identifiers: Orphanet 145, MedGen C3150659, MONDO:0013253, OMIM 613399.
Hereditary cancer-predisposing syndrome. Also called: Hereditary neoplastic syndrome; Tumor predisposition; Neoplastic Syndromes, Hereditary; Hereditary Cancer Syndrome. Identifiers: Orphanet 140162, MedGen C0027672, MeSH D009386, MONDO:0015356.

Allele frequency attached by ClinVar (database versions not stated): gnomAD exomes 0.00002 and 0.00003; ExAC 0.00005; gnomAD 0.00011 and 0.00012; ESP Exome Variant Server 0.00015; TOPMed 0.00018; 1000 Genomes Project 0.00020; 1000 Genomes Project 30x 0.00031.
gnomAD v4.1: 42 of 1,614,144 alleles (0.0026%); highest among the groups gnomAD compares: African/African-American, 0.052%; no homozygotes.

Submissions (14):

St. Jude Molecular Pathology, St. Jude Children's Research Hospital
Classification: Uncertain significance for Breast-ovarian cancer, familial, susceptibility to, 3. Last evaluated: 2026-10-01. Review status: criteria provided, single submitter. Criteria: St. Jude Assertion Criteria 2020. Collection method: clinical testing. Allele origin: germline.
Comment: The RAD51C c.200A>G p.(Glu67Gly) missense change has a maximum subpopulation frequency of 0.04% in gnomAD v2.1.1. The in silico tool REVEL predicts a benign effect on protein function, but to our knowledge this prediction has not been confirmed by functional studies. To our knowledge, this variant has not been reported as pathogenic in ind ividuals with RAD51C- associated conditions. In summary, the evidence currently available is insufficient to determine the clinical significance of this variant. It has therefore been classified as of uncertain significance.

Labcorp Genetics (formerly Invitae), Labcorp
Classification: Uncertain significance for Fanconi anemia complementation group O. Last evaluated: 2025-12-31. Review status: criteria provided, single submitter. Criteria: Invitae Variant Classification Sherloc (09022015). Collection method: clinical testing. Allele origin: germline.
Comment: This sequence change replaces glutamic acid, which is acidic and polar, with glycine, which is neutral and non-polar, at codon 67 of the RAD51C protein (p.Glu67Gly). This variant is present in population databases (rs375451955, gnomAD 0.05%). This variant has not been reported in the literature in individuals affected with RAD51C-related conditions. ClinVar contains an entry for this variant (Variation ID: 182832). Invitae Evidence Modeling of protein sequence and biophysical properties (such as structural, functional, and spatial information, amino acid conservation, physicochemical variation, residue mobility, and thermodynamic stability) indicates that this missense variant is not expected to disrupt RAD51C protein function with a negative predictive value of 80%. Experimental studies have shown that this missense change does not substantially affect RAD51C function (PMID: 37253112). In summary, the available evidence is currently insufficient to determine the role of this variant in disease. Therefore, it has been classified as a Variant of Uncertain Significance.

Color Diagnostics, LLC DBA Color Health
Classification: Likely benign for Hereditary cancer-predisposing syndrome. Last evaluated: 2025-11-25. Review status: criteria provided, single submitter. Criteria: ACMG Guidelines, 2015. Collection method: clinical testing. Allele origin: germline.

Ambry Genetics
Classification: Uncertain significance for Hereditary cancer-predisposing syndrome. Last evaluated: 2025-10-14. Review status: criteria provided, single submitter. Criteria: Ambry Variant Classification Scheme 2023. Collection method: clinical testing. Allele origin: germline.

PreventionGenetics, part of Exact Sciences
Classification: Uncertain significance for RAD51C-related condition. Last evaluated: 2025-09-19. Review status: criteria provided, single submitter. Criteria: ACMG Guidelines, 2015. Collection method: clinical testing. Allele origin: germline.
Comment: The RAD51C c.200A>G variant is predicted to result in the amino acid substitution p.Glu67Gly. This variant has been reported in an individual with breast cancer (Ding et al. 2018. PubMed ID: 28864920, Table 2S). This variant is reported in 0.040% of alleles in individuals of African descent in gnomAD and has conflicting interpretations ranging from uncertain significance to likely benign in ClinVar (Variation: 182832). Although we suspect that this variant may be benign, the clinical significance of this variant is classified as uncertain at this time due to insufficient functional and genetic evidence.

Women's Health and Genetics/Laboratory Corporation of America, LabCorp
Classification: Uncertain significance. Last evaluated: 2025-07-07. Review status: criteria provided, single submitter. Criteria: LabCorp Variant Classification Summary - May 2015. Collection method: clinical testing. Allele origin: germline.
Comment: Variant summary: RAD51C c.200A>G (p.Glu67Gly) results in a non-conservative amino acid change in the encoded protein sequence. Algorithms developed to predict the effect of missense changes on protein structure and function are either unavailable or do not agree on the potential impact of this missense change. The variant allele was found at a frequency of 3.2e-05 in 251452 control chromosomes (gnomAD). The available data on variant occurrences in the general population are insufficient to allow any conclusion about variant significance. c.200A>G has been observed in an individual affected with breast cancer (Ding_2017). This report does not provide unequivocal conclusions about association of the variant with Hereditary Breast And Ovarian Cancer Syndrome. At least one publication reports experimental evidence evaluating an impact on protein function (Hu_2023). These results showed no damaging effect of this variant on HDR function. The following publications have been ascertained in the context of this evaluation (PMID: 28864920, 37253112). ClinVar contains an entry for this variant (Variation ID: 182832). Based on the evidence outlined above, the variant was classified as uncertain significance.

Quest Diagnostics Nichols Institute San Juan Capistrano
Classification: Uncertain significance. Last evaluated: 2025-04-04. Review status: criteria provided, single submitter. Criteria: Quest Diagnostics criteria. Collection method: clinical testing. Allele origin: unknown.
Comment: The RAD51C c.200A>G (p.Glu67Gly) variant has been reported in the published literature in individuals with breast cancer (PMID: 28864920 (2018)), as well as in a reportedly unaffected individual in a large scale breast cancer association study (PMID: 33471991 (2021), see also LOVD). A functional study demonstrated that this variant had an inconclusive effect on protein function (PMID: 37253112 (2023)). The frequency of this variant in the general population (Genome Aggregation Database) is uninformative in the assessment of its pathogenicity. Analysis of this variant using bioinformatics tools for the prediction of the effect of amino acid changes on protein structure and function yielded conflicting predictions that this variant is deleterious or benign. Based on the available information, we are unable to determine the clinical significance of this variant.

Center for Genomic Medicine, Rigshospitalet, Copenhagen University Hospital
Classification: Uncertain significance. Last evaluated: 2025-03-04. Review status: criteria provided, single submitter. Criteria: ACMG Guidelines, 2015. Collection method: clinical testing. Allele origin: germline.

Myriad Genetics, Inc.
Classification: Likely benign for Breast-ovarian cancer, familial, susceptibility to, 3. Last evaluated: 2025-02-14. Review status: criteria provided, single submitter. Criteria: Myriad Autosomal Dominant, Autosomal Recessive and X-Linked Classification Criteria (2023). Collection method: clinical testing. Allele origin: unknown.
Comment: This variant is considered likely benign. This variant is strongly associated with less severe personal and family histories of cancer, typical for individuals without pathogenic variants in this gene [PMID: 25085752].

GeneDx
Classification: Uncertain significance. Last evaluated: 2024-11-13. Review status: criteria provided, single submitter. Criteria: GeneDx Variant Classification Process June 2021. Collection method: clinical testing. Allele origin: germline. Affected: yes.
Comment: In silico analysis supports that this missense variant does not alter protein structure/function; Observed in an individual with breast cancer (PMID: 28864920); This variant is associated with the following publications: (PMID: 28864920)

Fulgent Genetics
Classification: Uncertain significance for Fanconi anemia complementation group O; Breast-ovarian cancer, familial, susceptibility to, 3. Last evaluated: 2024-04-17. Review status: criteria provided, single submitter. Criteria: ACMG Guidelines, 2015. Collection method: clinical testing. Allele origin: germline.

Baylor Genetics
Classification: Uncertain significance for Breast-ovarian cancer, familial, susceptibility to, 3. Last evaluated: 2024-03-14. Review status: criteria provided, single submitter. Criteria: ACMG Guidelines, 2015. Collection method: clinical testing. Allele origin: unknown.

Sema4
Classification: Uncertain significance for Hereditary cancer-predisposing syndrome. Last evaluated: 2022-02-24. Review status: criteria provided, single submitter. Criteria: Sema4 Curation Guidelines. Collection method: curation. Allele origin: germline.
Comment: The RAD51C c.200A>G (p.E67G) has been reported in at least one individual with breast cancer (PMID: 28864920). It was observed in 10/24968 chromosomes in the African/African American subpopulation, in the large and broad cohorts of the Genome Aggregation Database (PMID: 32461654) and has been reported in ClinVar (Variation ID: 182832). Functional studies have not been performed, and in silico predictions of the variant's effect on protein function are inconclusive. The evidence is insufficient to meet ACMG/AMP criteria for classifying the variant as benign or pathogenic. Thus, the clinical significance of this variant is currently uncertain.

Genetic Services Laboratory, University of Chicago
Classification: Uncertain significance. Last evaluated: 2021-11-29. Review status: criteria provided, single submitter. Criteria: ACMG Guidelines, 2015. Collection method: clinical testing. Allele origin: germline. Affected: no.
Comment: DNA sequence analysis of the RAD51C gene demonstrated a sequence change, c.200A>G, in exon 2 that results in an amino acid change, p.Glu67Gly. This sequence change has been described in the gnomAD database with a frequency of 0.04% in the African/African American subpopulation (dbSNP rs375451955). The p.Glu67Gly change affects a moderately conserved amino acid residue located in a domain of the RAD51C protein that is known to be functional. The p.Glu67Gly substitution appears to be benign using several in-silico pathogenicity prediction tools (SIFT, PolyPhen2, Align GVGD, REVEL). This sequence change does not appear to have been previously described in individuals with RAD51C-related disorders. Due to insufficient evidences and the lack of functional studies, the clinical significance of the p.Glu67Gly change remains unknown at this time.

Literature cited by the submitters: PubMed 37253112 (cited by 3 submitters); PubMed 28864920 (cited by 3 submitters); PubMed 33471991 (cited by Quest Diagnostics Nichols Institute San Juan Capistrano); PubMed 25085752 (cited by Myriad Genetics, Inc.).

NM_058216.3(RAD51C):c.200A>G (p.Glu67Gly)

Gene: RAD51C (RAD51 paralog C; plus strand). Cytogenetic location: 17q22.
Variant type: single nucleotide variant.
Coding change: c.200A>G on transcript NM_058216.3 (MANE Select); coding-DNA position 200, A replaced by G.
Protein change: p.Glu67Gly; replaces glutamic acid 67 with glycine.
Molecular consequence: missense variant. On other transcripts: non-coding transcript variant (2).
Genome position (GRCh38, 1-based): chr17:58,694,985, A>G. VCF-style: chr17-58694985-A-G. GRCh37 (hg19) VCF-style: chr17-56772346-A-G.
Other names: p.E67G:GAA>GGA; c.200A>G, p.Glu67Gly (NM_002876.4); short protein forms E67G.
Identifiers: ClinVar variation 182832 (VCV000182832.43), dbSNP rs375451955, ClinGen allele CA299876.